The following is an entry in ClinVar:

ClinVar aggregate classification (germline): Uncertain significance. Review status: criteria provided, multiple submitters, no conflicts (2 of 4 stars). 2 submissions from 2 submitters: Uncertain significance (2). Last evaluated 2025-01-05.

Conditions:
Hereditary cancer-predisposing syndrome. Also called: Hereditary neoplastic syndrome; Neoplastic Syndromes, Hereditary; Hereditary Cancer Syndrome; Tumor predisposition. Identifiers: Orphanet 140162, MedGen C0027672, MeSH D009386, MONDO:0015356.
Neuroblastoma, susceptibility to, 3. Also called: ALK-Related Neuroblastic Tumor Susceptibility. Identifiers: Orphanet 635, MedGen C2751681, MONDO:0013083, OMIM 613014.

Allele frequency attached by ClinVar (database versions not stated): gnomAD exomes below 0.00001; ExAC 0.00001; gnomAD 0.00001.
gnomAD v4.1: 5 of 1,613,946 alleles (0.00031%); highest among the groups gnomAD compares: Admixed American, 0.0017%; no homozygotes.

Submissions (2):

Ambry Genetics
Classification: Uncertain significance for Hereditary cancer-predisposing syndrome. Last evaluated: 2025-01-05. Review status: criteria provided, single submitter. Criteria: Ambry Variant Classification Scheme 2023. Collection method: clinical testing. Allele origin: germline.
Comment: The p.G1272R variant (also known as c.3814G>A), located in coding exon 25 of the ALK gene, results from a G to A substitution at nucleotide position 3814. The glycine at codon 1272 is replaced by arginine, an amino acid with dissimilar properties. This amino acid position is highly conserved in available vertebrate species. In addition, this alteration is predicted to be deleterious by in silico analysis. Since supporting evidence is limited at this time, the clinical significance of this alteration remains unclear.

Labcorp Genetics (formerly Invitae), Labcorp
Classification: Uncertain significance for Neuroblastoma, susceptibility to, 3. Last evaluated: 2024-07-13. Review status: criteria provided, single submitter. Criteria: Invitae Variant Classification Sherloc (09022015). Collection method: clinical testing. Allele origin: germline.
Comment: This sequence change replaces glycine, which is neutral and non-polar, with arginine, which is basic and polar, at codon 1272 of the ALK protein (p.Gly1272Arg). This variant is not present in population databases (gnomAD no frequency). This variant has not been reported in the literature in individuals affected with ALK-related conditions. ClinVar contains an entry for this variant (Variation ID: 572216). An algorithm developed to predict the effect of missense changes on protein structure and function (PolyPhen-2) suggests that this variant is likely to be disruptive. In summary, the available evidence is currently insufficient to determine the role of this variant in disease. Therefore, it has been classified as a Variant of Uncertain Significance.

NM_004304.5(ALK):c.3814G>A (p.Gly1272Arg)

Gene: ALK (ALK receptor tyrosine kinase; minus strand). Cytogenetic location: 2p23.2.
Variant type: single nucleotide variant.
Coding change: c.3814G>A on transcript NM_004304.5 (MANE Select); coding-DNA position 3814, G replaced by A.
Protein change: p.Gly1272Arg; replaces glycine 1272 with arginine.
Molecular consequence: missense variant.
Genome position (GRCh38, 1-based): chr2:29,209,808, C>T on the plus strand (G>A on the coding strand, the complement: ALK is on the minus strand). VCF-style: chr2-29209808-C-T. GRCh37 (hg19) VCF-style: chr2-29432674-C-T.
Other names: c.610G>A, p.Gly204Arg (NM_001353765.2); short protein forms G1272R, G204R.
Identifiers: ClinVar variation 572216 (VCV000572216.13), dbSNP rs770027238, ClinGen allele CA1593778.